The following is an entry in ClinVar:

NM_001267550.2(TTN):c.7996A>G (p.Arg2666Gly)

Gene: TTN (titin; minus strand). Cytogenetic location: 2q31.2.
Variant type: single nucleotide variant.
Coding change: c.7996A>G on transcript NM_001267550.2 (MANE Select); coding-DNA position 7996, A replaced by G.
Protein change: p.Arg2666Gly; replaces arginine 2666 with glycine.
Molecular consequence: missense variant.
Genome position (GRCh38, 1-based): chr2:178,771,331, T>C on the plus strand (A>G on the coding strand, the complement: TTN is on the minus strand). VCF-style: chr2-178771331-T-C. GRCh37 (hg19) VCF-style: chr2-179636058-T-C.
Other names: c.7996A>G, p.Arg2666Gly (NM_001256850.1, NM_133378.4, NM_133379.5); c.7858A>G, p.Arg2620Gly (NM_003319.4, NM_133432.3, NM_133437.4); short protein forms R2620G, R2666G.
Identifiers: ClinVar variation 1760906 (VCV001760906.3), dbSNP rs2091455237, ClinGen allele CA349678519.

ClinVar aggregate classification (germline): Uncertain significance. Review status: criteria provided, multiple submitters, no conflicts (2 of 4 stars). 2 submissions from 2 submitters: Uncertain significance (2). Last evaluated 2025-06-11.

Conditions:
Cardiovascular phenotype. Identifiers: MedGen CN230736.

Allele frequency attached by ClinVar (database versions not stated): gnomAD exomes below 0.00001.
gnomAD v4.1: 4 of 1,614,092 alleles (0.00025%); highest among the groups gnomAD compares: Non-Finnish European, 0.00034%; no homozygotes.

Submissions (2):

GeneDx
Classification: Uncertain significance. Last evaluated: 2025-06-11. Review status: criteria provided, single submitter. Criteria: GeneDx Variant Classification Process June 2021. Collection method: clinical testing. Allele origin: germline. Affected: yes.
Comment: Not observed at significant frequency in large population cohorts (gnomAD); Missense variant in a gene in which most reported pathogenic variants are truncating/loss of function; Has not been previously published as pathogenic or benign to our knowledge

Ambry Genetics
Classification: Uncertain significance for Cardiovascular phenotype. Last evaluated: 2019-04-09. Review status: criteria provided, single submitter. Criteria: Ambry Variant Classification Scheme 2023. Collection method: clinical testing. Allele origin: germline.
Comment: The p.R2620G variant (also known as c.7858A>G), located in coding exon 32 of the TTN gene, results from an A to G substitution at nucleotide position 7858. The arginine at codon 2620 is replaced by glycine, an amino acid with dissimilar properties. This amino acid position is not well conserved in available vertebrate species. In addition, this alteration is predicted to be tolerated by in silico analysis. Since supporting evidence is limited at this time, the clinical significance of this alteration remains unclear.